The following is an entry in ClinVar:

NM_001034853.2(RPGR):c.171C>G (p.Tyr57Ter)

Gene: RPGR (retinitis pigmentosa GTPase regulator; minus strand). Cytogenetic location: Xp11.4.
Variant type: single nucleotide variant.
Coding change: c.171C>G on transcript NM_001034853.2 (MANE Select); coding-DNA position 171, C replaced by G.
Protein change: p.Tyr57Ter; replaces tyrosine 57 with a stop codon.
Molecular consequence: nonsense. On other transcripts: non-coding transcript variant (6).
Genome position (GRCh38, 1-based): chrX:38,322,929, G>C on the plus strand (C>G on the coding strand, the complement: RPGR is on the minus strand). VCF-style: chrX-38322929-G-C. GRCh37 (hg19) VCF-style: chrX-38182182-G-C.
Other names: c.171C>G, p.Tyr57Ter (NM_000328.3, NM_001367245.1, NM_001367246.1 and 4 more transcripts); c.201C>G, p.Tyr67Ter (NM_001367248.1); short protein forms Y57*, Y67*.
Identifiers: ClinVar variation 5013094 (VCV005013094.1).

ClinVar aggregate classification (germline): Pathogenic (1 of 4 stars; one submission).

Conditions:
RPGR-related retinopathy. Also called: RPGR retinopathy. Identifiers: MedGen CN305589, MONDO:0100437.

Submission:

Myriad Genetics, Inc.
Classification: Pathogenic for RPGR-related retinopathy. Last evaluated: 2024-05-23. Review status: criteria provided, single submitter. Criteria: Myriad Autosomal Dominant, Autosomal Recessive and X-Linked Classification Criteria (2023). Collection method: clinical testing. Allele origin: unknown.
Comment: NM_000328.2(RPGR):c.171C>G(Y57*) is expected to be pathogenic in the context of X-linked retinal dystrophy, RPGR-related. This variant is predicted to lead to an abnormal or absent protein product due to the creation of a premature termination codon in RPGR, a gene where loss-of-function variants are known to be pathogenic. Please note: this variant was assessed in the context of healthy population screening.